The following is an entry in ClinVar:

NM_001605.3(AARS1):c.2694G>T (p.Lys898Asn)

Gene: AARS1 (alanyl-tRNA synthetase 1; minus strand). Cytogenetic location: 16q22.1.
Variant type: single nucleotide variant.
Coding change: c.2694G>T on transcript NM_001605.3 (MANE Select); coding-DNA position 2694, G replaced by T.
Protein change: p.Lys898Asn; replaces lysine 898 with asparagine.
Molecular consequence: missense variant.
Genome position (GRCh38, 1-based): chr16:70,253,295, C>A on the plus strand (G>T on the coding strand, the complement: AARS1 is on the minus strand). VCF-style: chr16-70253295-C-A. GRCh37 (hg19) VCF-style: chr16-70287198-C-A.
Other names: short protein forms K898N.
Identifiers: ClinVar variation 2030825 (VCV002030825.4), dbSNP rs2506987963, ClinGen allele CA396554647.

ClinVar aggregate classification (germline): Uncertain significance (1 of 4 stars; one submission).

Conditions:
Charcot-Marie-Tooth disease type 2. Also called: Charcot-Marie-Tooth type 2. Identifiers: Orphanet 64746, MedGen C0270914, MONDO:0018993.

Submission:

Labcorp Genetics (formerly Invitae), Labcorp
Classification: Uncertain significance for Charcot-Marie-Tooth disease type 2. Last evaluated: 2022-09-16. Review status: criteria provided, single submitter. Criteria: Invitae Variant Classification Sherloc (09022015). Collection method: clinical testing. Allele origin: germline.
Comment: Advanced modeling of protein sequence and biophysical properties (such as structural, functional, and spatial information, amino acid conservation, physicochemical variation, residue mobility, and thermodynamic stability) performed at Invitae indicates that this missense variant is not expected to disrupt AARS protein function. This sequence change replaces lysine, which is basic and polar, with asparagine, which is neutral and polar, at codon 898 of the AARS protein (p.Lys898Asn). This variant is not present in population databases (gnomAD no frequency). This variant has not been reported in the literature in individuals affected with AARS-related conditions. In summary, the available evidence is currently insufficient to determine the role of this variant in disease. Therefore, it has been classified as a Variant of Uncertain Significance.